The following is an entry in ClinVar:

ClinVar aggregate classification (germline): Conflicting classifications of pathogenicity. Review status: criteria provided, conflicting classifications (1 of 4 stars). 4 submissions from 4 submitters: Uncertain significance (1); Likely benign (3). Last evaluated 2026-08-01.

Conditions:
Inborn genetic diseases. Identifiers: MedGen C0950123, MeSH D030342.

Allele frequency attached by ClinVar (database versions not stated): TOPMed 0.00005.
gnomAD v4.1: 134 of 1,613,776 alleles (0.0083%); highest among the groups gnomAD compares: Middle Eastern, 0.016%; no homozygotes.

Submissions (4):

CeGaT Center for Human Genetics Tuebingen
Classification: Likely benign. Last evaluated: 2026-08-01. Review status: criteria provided, single submitter. Criteria: CeGaT Center For Human Genetics Tuebingen Variant Classification Criteria Version 2. Collection method: clinical testing. Allele origin: germline. Affected: yes. Observed: 1 variant allele.
Comment: MAGEL2: BP4

Labcorp Genetics (formerly Invitae), Labcorp
Classification: Uncertain significance. Last evaluated: 2025-10-21. Review status: criteria provided, single submitter. Criteria: Invitae Variant Classification Sherloc (09022015). Collection method: clinical testing. Allele origin: germline.
Comment: This sequence change replaces serine, which is neutral and polar, with tryptophan, which is neutral and slightly polar, at codon 848 of the MAGEL2 protein (p.Ser848Trp). This variant is present in population databases (rs777433159, gnomAD 0.02%). This variant has not been reported in the literature in individuals affected with MAGEL2-related conditions. ClinVar contains an entry for this variant (Variation ID: 1389323). Invitae Evidence Modeling of protein sequence and biophysical properties (such as structural, functional, and spatial information, amino acid conservation, physicochemical variation, residue mobility, and thermodynamic stability) indicates that this missense variant is not expected to disrupt MAGEL2 protein function with a negative predictive value of 80%. In summary, the available evidence is currently insufficient to determine the role of this variant in disease. Therefore, it has been classified as a Variant of Uncertain Significance.

Laboratory of Genetics, Children's Clinical University Hospital Latvia
Classification: Likely benign. Last evaluated: 2025-02-16. Review status: criteria provided, single submitter. Criteria: ACMG Guidelines, 2015. Collection method: clinical testing. Allele origin: germline. Affected: yes.

Ambry Genetics
Classification: Likely benign for Inborn genetic diseases. Last evaluated: 2024-12-18. Review status: criteria provided, single submitter. Criteria: Ambry Variant Classification Scheme 2023. Collection method: clinical testing. Allele origin: germline.

NM_019066.5(MAGEL2):c.2543C>G (p.Ser848Trp)

Gene: MAGEL2 (MAGE family member L2; minus strand). Cytogenetic location: 15q11.2.
Variant type: single nucleotide variant.
Coding change: c.2543C>G on transcript NM_019066.5 (MANE Select); coding-DNA position 2543, C replaced by G.
Protein change: p.Ser848Trp; replaces serine 848 with tryptophan.
Molecular consequence: missense variant.
Genome position (GRCh38, 1-based): chr15:23,645,200, G>C on the plus strand (C>G on the coding strand, the complement: MAGEL2 is on the minus strand). VCF-style: chr15-23645200-G-C. GRCh37 (hg19) VCF-style: chr15-23890347-G-C.
Other names: c.2543C>G (NM_019066.4); short protein forms S848W.
Identifiers: ClinVar variation 1389323 (VCV001389323.9), dbSNP rs777433159, ClinGen allele CA7429882.